The following is an entry in ClinVar:

NM_001371727.1(GABRB2):c.1217T>A (p.Leu406Gln)

Gene: GABRB2 (gamma-aminobutyric acid type A receptor subunit beta2; minus strand). Cytogenetic location: 5q34.
Variant type: single nucleotide variant.
Coding change: c.1217T>A on transcript NM_001371727.1 (MANE Select); coding-DNA position 1217, T replaced by A.
Protein change: p.Leu406Gln; replaces leucine 406 with glutamine.
Molecular consequence: missense variant.
Genome position (GRCh38, 1-based): chr5:161,294,403, A>T on the plus strand (T>A on the coding strand, the complement: GABRB2 is on the minus strand). VCF-style: chr5-161294403-A-T. GRCh37 (hg19) VCF-style: chr5-160721410-A-T.
Other names: c.1217T>A, p.Leu406Gln (NM_021911.3); c.1103T>A, p.Leu368Gln (NM_000813.3); short protein forms L368Q, L406Q.
Identifiers: ClinVar variation 1715409 (VCV001715409.6), dbSNP rs2546532842, ClinGen allele CA362173613.
Genomic context (GRCh38, chr5:161,294,403, plus strand): 5'-TCTCCAAGTCCCATCACAGCCTCAGATGTGGCCATTTCATTTTTTATCTCGAGAGTGCTC[A>T]GTAAGATGTTCTCATGGGGGTCCATCTGCAAGGGAAGAGAATCAAAAAGACAATCAGAAC-3'
Protein context (NP_001358656.1, residues 396-416): YTMDPHENIL[Leu406Gln]STLEIKNEMA

ClinVar aggregate classification (germline): Uncertain significance (1 of 4 stars; one submission).

Conditions:
Intellectual disability. Also called: intellectual disabilities; Intellectual functioning disability; Intellectual developmental disorder. Identifiers: MedGen C3714756, MeSH D008607, MONDO:0001071, HP:0001249.

Submission:

Labcorp Genetics (formerly Invitae), Labcorp
Classification: Uncertain significance for Intellectual disability. Last evaluated: 2024-02-05. Review status: criteria provided, single submitter. Criteria: Invitae Variant Classification Sherloc (09022015). Collection method: clinical testing. Allele origin: germline.
Comment: This sequence change replaces leucine, which is neutral and non-polar, with glutamine, which is neutral and polar, at codon 406 of the GABRB2 protein (p.Leu406Gln). This variant is not present in population databases (gnomAD no frequency). This variant has not been reported in the literature in individuals affected with GABRB2-related conditions. ClinVar contains an entry for this variant (Variation ID: 1715409). Advanced modeling of protein sequence and biophysical properties (such as structural, functional, and spatial information, amino acid conservation, physicochemical variation, residue mobility, and thermodynamic stability) has been performed at Invitae for this missense variant, however the output from this modeling did not meet the statistical confidence thresholds required to predict the impact of this variant on GABRB2 protein function. In summary, the available evidence is currently insufficient to determine the role of this variant in disease. Therefore, it has been classified as a Variant of Uncertain Significance.